The following is an entry in ClinVar:

NM_001277313.2(FMN1):c.2044-2701C>A

Gene: FMN1 (formin 1; minus strand). Cytogenetic location: 15q13.3.
Variant type: single nucleotide variant.
Coding change: c.2044-2701C>A on transcript NM_001277313.2 (MANE Select); 2701 bases into the intron before coding-DNA position 2044, C replaced by A.
Molecular consequence: intron variant. On other transcripts: missense variant (1).
Genome position (GRCh38, 1-based): chr15:33,067,775, G>T on the plus strand (C>A on the coding strand, the complement: FMN1 is on the minus strand). VCF-style: chr15-33067775-G-T. GRCh37 (hg19) VCF-style: chr15-33359976-G-T.
Other names: c.110C>A (NM_001103184.3); c.110C>A, p.Ser37Tyr (NM_001103184.4); short protein forms S37Y.
Identifiers: ClinVar variation 284853 (VCV000284853.34), dbSNP rs111822533, ClinGen allele CA7457435.

ClinVar aggregate classification (germline): Likely benign. Review status: criteria provided, multiple submitters, no conflicts (2 of 4 stars). 4 submissions from 4 submitters: Likely benign (3). 1 of the submissions does not count toward it. Last evaluated 2025-12-22.

Conditions:
FMN1-related disorder. Also called: FMN1-related condition.

Allele frequency attached by ClinVar (database versions not stated): 1000 Genomes Project 0.00060; 1000 Genomes Project 30x 0.00078; ExAC 0.00207; gnomAD 0.00226 and 0.00227; TOPMed 0.00244; ESP Exome Variant Server 0.00432.
gnomAD v4.1: 6,608 of 1,613,932 alleles (0.41%); highest among the groups gnomAD compares: Non-Finnish European, 0.51%; 31 homozygotes.

Submissions (4):

Labcorp Genetics (formerly Invitae), Labcorp
Classification: Likely benign. Last evaluated: 2025-12-22. Review status: criteria provided, single submitter. Criteria: Invitae Variant Classification Sherloc (09022015). Collection method: clinical testing. Allele origin: germline.

CeGaT Center for Human Genetics Tuebingen
Classification: Likely benign. Last evaluated: 2025-11-01. Review status: criteria provided, single submitter. Criteria: CeGaT Center For Human Genetics Tuebingen Variant Classification Criteria Version 2. Collection method: clinical testing. Allele origin: germline. Affected: yes. Observed: 2 variant alleles.
Comment: FMN1: BP4, BS2

Eurofins Ntd Llc (ga)
Classification: Likely benign. Last evaluated: 2015-12-07. Review status: criteria provided, single submitter. Criteria: EGL Classification Definitions 2015. Collection method: clinical testing. Allele origin: germline. Observed: 1 variant allele, 1 heterozygote.

PreventionGenetics, part of Exact Sciences
Classification: Likely benign for FMN1-related condition. Last evaluated: 2023-05-17. Review status: no assertion criteria provided. Collection method: clinical testing. Allele origin: germline. Not counted in ClinVar's aggregate classification.
Comment: This variant is classified as likely benign based on ACMG/AMP sequence variant interpretation guidelines (Richards et al. 2015 PMID: 25741868, with internal and published modifications).